The following is an entry in ClinVar:

ClinVar aggregate classification (germline): Likely benign (0 of 4 stars; one submission).

Conditions:
PPARG-related disorder. Also called: PPARG-related disorders; PPARG-related condition.

Allele frequency attached by ClinVar (database versions not stated): gnomAD 0.00001; TOPMed 0.00002.
gnomAD v4.1: 1 of 1,612,516 alleles (0.000062%); highest among the groups gnomAD compares: African/African-American, 0.0013%; no homozygotes.

Submission:

PreventionGenetics, part of Exact Sciences
Classification: Likely benign for PPARG-related condition. Last evaluated: 2021-10-07. Review status: no assertion criteria provided. Collection method: clinical testing. Allele origin: germline.
Comment: This variant is classified as likely benign based on ACMG/AMP sequence variant interpretation guidelines (Richards et al. 2015 PMID: 25741868, with internal and published modifications).

NM_138711.6(PPARG):c.530-7T>A

Genes: PPARG (peroxisome proliferator activated receptor gamma; plus strand), LOC114803475 (PPARG eExon liver enhancer; plus strand). Cytogenetic location: 3p25.2.
Variant type: single nucleotide variant.
Coding change: c.530-7T>A on transcript NM_138711.6 (MANE Select); 7 bases into the intron before coding-DNA position 530, T replaced by A.
Molecular consequence: intron variant.
Genome position (GRCh38, 1-based): chr3:12,405,875, T>A. VCF-style: chr3-12405875-T-A. GRCh37 (hg19) VCF-style: chr3-12447374-T-A.
Other names: c.530-7T>A (NM_001354666.3, NM_138712.5, NM_005037.7 and 6 more transcripts); c.103-10829T>A (NM_001354669.2); c.536-7T>A (NM_001374266.1, NM_001354670.2); c.620-7T>A (NM_015869.5, NM_001374265.1, NM_001354668.2).
Identifiers: ClinVar variation 3061592 (VCV003061592.2), dbSNP rs1051677306, ClinGen allele CA70183034.